The following is an entry in ClinVar:

ClinVar aggregate classification (germline): Uncertain significance (1 of 4 stars; one submission).

Conditions:
Dilated cardiomyopathy 1W (CMD1W). Identifiers: Orphanet 154, MedGen C1969639, MONDO:0012667, OMIM 611407.

Submission:

Labcorp Genetics (formerly Invitae), Labcorp
Classification: Uncertain significance for Dilated cardiomyopathy 1W. Last evaluated: 2026-01-06. Review status: criteria provided, single submitter. Criteria: Invitae Variant Classification Sherloc (09022015). Collection method: clinical testing. Allele origin: germline.
Comment: This sequence change replaces valine, which is neutral and non-polar, with alanine, which is neutral and non-polar, at codon 367 of the VCL protein (p.Val367Ala). This variant is not present in population databases (gnomAD no frequency). This variant has not been reported in the literature in individuals affected with VCL-related conditions. An algorithm developed to predict the effect of missense changes on protein structure and function (PolyPhen-2) suggests that this variant is likely to be tolerated. In summary, the available evidence is currently insufficient to determine the role of this variant in disease. Therefore, it has been classified as a Variant of Uncertain Significance.

NM_014000.3(VCL):c.1100T>C (p.Val367Ala)

Gene: VCL (vinculin; plus strand). Cytogenetic location: 10q22.2.
Variant type: single nucleotide variant.
Coding change: c.1100T>C on transcript NM_014000.3 (MANE Select); coding-DNA position 1100, T replaced by C.
Protein change: p.Val367Ala; replaces valine 367 with alanine.
Molecular consequence: missense variant.
Genome position (GRCh38, 1-based): chr10:74,089,273, T>C. VCF-style: chr10-74089273-T-C. GRCh37 (hg19) VCF-style: chr10-75849031-T-C.
Other names: c.1100T>C, p.Val367Ala (NM_003373.4); short protein forms V367A.
Identifiers: ClinVar variation 4734113 (VCV004734113.1).